The following is an entry in ClinVar:

NM_133433.4(NIPBL):c.4573G>A (p.Val1525Ile)

Gene: NIPBL (NIPBL cohesin loading factor; plus strand). Cytogenetic location: 5p13.2.
Variant type: single nucleotide variant.
Coding change: c.4573G>A on transcript NM_133433.4 (MANE Select); coding-DNA position 4573, G replaced by A.
Protein change: p.Val1525Ile; replaces valine 1525 with isoleucine.
Molecular consequence: missense variant.
Genome position (GRCh38, 1-based): chr5:37,014,695, G>A. VCF-style: chr5-37014695-G-A. GRCh37 (hg19) VCF-style: chr5-37014797-G-A.
Other names: c.4573G>A, p.Val1525Ile (NM_015384.5); short protein forms V1525I.
Identifiers: ClinVar variation 597192 (VCV000597192.9), dbSNP rs1351097452, ClinGen allele CA359480653.

ClinVar aggregate classification (germline): Uncertain significance. Review status: criteria provided, multiple submitters, no conflicts (2 of 4 stars). 2 submissions from 2 submitters: Uncertain significance (2). Last evaluated 2022-08-30.

Conditions:
Cornelia de Lange syndrome 1 (CDLS1). Also called: Brachmann de Lange syndrome; NIPBL-Related Cornelia de Lange Syndrome; TYPUS DEGENERATIVUS AMSTELODAMENSIS. Identifiers: Orphanet 199, MedGen C4551851, MONDO:0007387, OMIM 122470.

Allele frequency attached by ClinVar (database versions not stated): gnomAD exomes below 0.00001; TOPMed 0.00001.
gnomAD v4.1: 2 of 1,604,364 alleles (0.00012%); highest among the groups gnomAD compares: East Asian, 0.0045%; no homozygotes.

Submissions (2):

Labcorp Genetics (formerly Invitae), Labcorp
Classification: Uncertain significance for Cornelia de Lange syndrome 1. Last evaluated: 2022-08-30. Review status: criteria provided, single submitter. Criteria: Invitae Variant Classification Sherloc (09022015). Collection method: clinical testing. Allele origin: germline.
Comment: In summary, the available evidence is currently insufficient to determine the role of this variant in disease. Therefore, it has been classified as a Variant of Uncertain Significance. Algorithms developed to predict the effect of missense changes on protein structure and function are either unavailable or do not agree on the potential impact of this missense change (SIFT: "Deleterious"; PolyPhen-2: "Benign"; Align-GVGD: "Class C0"). ClinVar contains an entry for this variant (Variation ID: 597192). This variant has not been reported in the literature in individuals affected with NIPBL-related conditions. This variant is not present in population databases (gnomAD no frequency). This sequence change replaces valine, which is neutral and non-polar, with isoleucine, which is neutral and non-polar, at codon 1525 of the NIPBL protein (p.Val1525Ile).

Eurofins Ntd Llc (ga)
Classification: Uncertain significance. Last evaluated: 2018-05-14. Review status: criteria provided, single submitter. Criteria: EGL ClinVar v180209 classification definitions. Collection method: clinical testing. Allele origin: germline. Observed: 1 variant allele, 1 heterozygote.